The following is an entry in ClinVar:

ClinVar aggregate classification (germline): Uncertain significance. Review status: criteria provided, multiple submitters, no conflicts (2 of 4 stars). 3 submissions from 3 submitters: Uncertain significance (3). Last evaluated 2025-12-29.

Conditions:
Inborn genetic diseases. Identifiers: MedGen C0950123, MeSH D030342.

Allele frequency attached by ClinVar (database versions not stated): gnomAD exomes below 0.00001; ExAC 0.00001.
gnomAD v4.1: 3 of 1,614,146 alleles (0.00019%); highest among the groups gnomAD compares: South Asian, 0.0022%; no homozygotes.

Submissions (3):

Ambry Genetics
Classification: Uncertain significance for Inborn genetic diseases. Last evaluated: 2025-12-29. Review status: criteria provided, single submitter. Criteria: Ambry Variant Classification Scheme 2023. Collection method: clinical testing. Allele origin: germline.
Comment: The c.10783A>G (p.T3595A) alteration is located in exon 37 (coding exon 37) of the ANK3 gene. This alteration results from a A to G substitution at nucleotide position 10783, causing the threonine (T) at amino acid position 3595 to be replaced by an alanine (A). Based on data from gnomAD, the G allele has an overall frequency of <0.001% (1/251068) total alleles studied. The highest observed frequency was 0.001% (1/113458) of European (non-Finnish) alleles. Based on insufficient or conflicting evidence, the clinical significance of this alteration remains unclear.

Women's Health and Genetics/Laboratory Corporation of America, LabCorp
Classification: Uncertain significance. Last evaluated: 2023-11-14. Review status: criteria provided, single submitter. Criteria: LabCorp Variant Classification Summary - May 2015. Collection method: clinical testing. Allele origin: germline.
Comment: Variant summary: ANK3 c.10783A>G (p.Thr3595Ala) results in a non-conservative amino acid change in the encoded protein sequence. Four of five in-silico tools predict a damaging effect of the variant on protein function. The variant allele was found at a frequency of 4e-06 in 251068 control chromosomes. The available data on variant occurrences in the general population are insufficient to allow any conclusion about variant significance. To our knowledge, no occurrence of c.10783A>G in individuals affected with Mental Retardation, Autosomal Recessive 37 and no experimental evidence demonstrating its impact on protein function have been reported. One submitter has cited clinical-significance assessments for this variant to ClinVar after 2014 and has classified the variant as uncertain significance. Based on the evidence outlined above, the variant was classified as uncertain significance.

Labcorp Genetics (formerly Invitae), Labcorp
Classification: Uncertain significance. Last evaluated: 2021-12-02. Review status: criteria provided, single submitter. Criteria: Invitae Variant Classification Sherloc (09022015). Collection method: clinical testing. Allele origin: germline.
Comment: In summary, the available evidence is currently insufficient to determine the role of this variant in disease. Therefore, it has been classified as a Variant of Uncertain Significance. Algorithms developed to predict the effect of missense changes on protein structure and function are either unavailable or do not agree on the potential impact of this missense change (SIFT: "Not Available"; PolyPhen-2: "Probably Damaging"; Align-GVGD: "Not Available"). ClinVar contains an entry for this variant (Variation ID: 1047226). This variant has not been reported in the literature in individuals affected with ANK3-related conditions. This variant is present in population databases (rs748256287, gnomAD 0.0009%). This sequence change replaces threonine, which is neutral and polar, with alanine, which is neutral and non-polar, at codon 3595 of the ANK3 protein (p.Thr3595Ala).

NM_020987.5(ANK3):c.10783A>G (p.Thr3595Ala)

Gene: ANK3 (ankyrin 3; minus strand). Cytogenetic location: 10q21.2.
Variant type: single nucleotide variant.
Coding change: c.10783A>G on transcript NM_020987.5 (MANE Select); coding-DNA position 10783, A replaced by G.
Protein change: p.Thr3595Ala; replaces threonine 3595 with alanine.
Molecular consequence: missense variant. On other transcripts: intron variant (4).
Genome position (GRCh38, 1-based): chr10:60,070,098, T>C on the plus strand (A>G on the coding strand, the complement: ANK3 is on the minus strand). VCF-style: chr10-60070098-T-C. GRCh37 (hg19) VCF-style: chr10-61829856-T-C.
Other names: c.4388-2089A>G (NM_001204403.2); c.4409-2089A>G (NM_001204404.2); c.4406-2089A>G (NM_001320874.2); c.1808-2089A>G (NM_001149.4); c.10783A>G (NM_020987.3); short protein forms T3595A.
Identifiers: ClinVar variation 1047226 (VCV001047226.10), dbSNP rs748256287, ClinGen allele CA5511194.